The following is an entry in ClinVar:

NM_007294.4(BRCA1):c.5193+21A>T

Gene: BRCA1 (BRCA1 DNA repair associated; minus strand). Cytogenetic location: 17q21.31.
Variant type: single nucleotide variant.
Coding change: c.5193+21A>T on transcript NM_007294.4 (MANE Select); 21 bases into the intron after coding-DNA position 5193, A replaced by T.
Molecular consequence: intron variant.
Genome position (GRCh38, 1-based): chr17:43,063,312, T>A on the plus strand (A>T on the coding strand, the complement: BRCA1 is on the minus strand). VCF-style: chr17-43063312-T-A. GRCh37 (hg19) VCF-style: chr17-41215329-T-A.
Other names: c.1740+21A>T (NM_001408458.1, NM_001408461.1, NM_001408464.1 and 7 more transcripts); c.4302+21A>T (NM_001407967.1); c.4812+21A>T (NM_001407959.1); c.4926+21A>T (NM_001407931.1, NM_001407932.1, NM_001407928.1 and 4 more transcripts); c.5049+21A>T (NM_001407747.1, NM_001407745.1, NM_001407737.1 and 21 more transcripts); c.4809+21A>T (NM_001407962.1, NM_001407960.1); c.1380+21A>T (NM_001408512.1); c.1503+21A>T (NM_001408510.1); and 72 more.
Identifiers: ClinVar variation 867812 (VCV000867812.3), dbSNP rs2051849182, ClinGen allele CA916079993.
Genomic context (GRCh38, chr17:43,063,312, plus strand): 5'-ATTGATGGAAGGAAGCAAATACATTTTTAACTATATGACTGAATGAATATCTCTGGTTAG[T>A]TTGTAACATCAAGTACTTACCTCATTCAGCATTTTTCTTTCTTTAATAGACTGGGTCACC-3'

Conditions:
Breast-ovarian cancer, familial, susceptibility to, 1 (BROVCA1). Also called: BRCA1 Hereditary Breast and Ovarian Cancer; OVARIAN CANCER, SUSCEPTIBILITY TO. Identifiers: Orphanet 145, MedGen C2676676, MONDO:0011450, OMIM 604370. Disease mechanism: loss of function.

Submission:

Brotman Baty Institute, University of Washington
No classification provided (evidence only). Condition: Breast-ovarian cancer, familial 1. Review status: no classification provided. Collection method: in vitro. Allele origin: not applicable. Functional consequence: functionally_normal.
ClinVar note: "not provided" was previously submitted as the classification for the variant. However, the classification appeared to be based only on an observation of functional data so it was converted to no classification on 2025-07-30.